The following is an entry in ClinVar:

NM_005215.4(DCC):c.3621T>C (p.Gly1207=)

Gene: DCC (DCC netrin 1 receptor; plus strand). Cytogenetic location: 18q21.2.
Variant type: single nucleotide variant.
Coding change: c.3621T>C on transcript NM_005215.4 (MANE Select); coding-DNA position 3621, T replaced by C.
Protein change: p.Gly1207=; no amino-acid change (glycine 1207 retained).
Molecular consequence: synonymous variant.
Genome position (GRCh38, 1-based): chr18:53,467,895, T>C. VCF-style: chr18-53467895-T-C. GRCh37 (hg19) VCF-style: chr18-50994265-T-C.
Identifiers: ClinVar variation 3047174 (VCV003047174.2), dbSNP rs199753053, ClinGen allele CA8967577.

ClinVar aggregate classification (germline): Likely benign (0 of 4 stars; one submission).

Conditions:
DCC-related disorder. Also called: DCC-related condition.

Allele frequency attached by ClinVar (database versions not stated): ExAC 0.00004; TOPMed 0.00006; gnomAD 0.00008.
gnomAD v4.1: 158 of 1,556,210 alleles (0.01%); highest among the groups gnomAD compares: Non-Finnish European, 0.013%; no homozygotes.

Submission:

PreventionGenetics, part of Exact Sciences
Classification: Likely benign for DCC-related condition. Last evaluated: 2019-03-08. Review status: no assertion criteria provided. Collection method: clinical testing. Allele origin: germline.
Comment: This variant is classified as likely benign based on ACMG/AMP sequence variant interpretation guidelines (Richards et al. 2015 PMID: 25741868, with internal and published modifications).